The following is an entry in ClinVar:

GRCh37/hg19 1p36.33(chr1:753462-1717335)x1

Genes: ACAP3 (ArfGAP with coiled-coil, ankyrin repeat and PH domains 3; minus strand), AGRN (agrin; plus strand), ANKRD65 (ankyrin repeat domain 65; minus strand), ATAD3A (ATPase family AAA domain containing 3A; plus strand), ATAD3B (ATPase family AAA domain containing 3B; plus strand) and 42 more. Cytogenetic location: 1p36.33.
Variant type: copy number loss.
Change: copy number 1 (one copy instead of two) of chr1:753,462-1,717,335 (963.9 kb, GRCh37 coordinates, 1-based), cytogenetic band 1p36.33.
Identifiers: ClinVar variation 988904 (VCV000988904.4).

ClinVar aggregate classification (germline): Pathogenic (1 of 4 stars; one submission).

Submission:

Illumina Laboratory Services, Illumina
Classification: Pathogenic. Last evaluated: 2019-03-20. Review status: criteria provided, single submitter. Criteria: ICSL CNVClassificationCriteria Aug2020. Collection method: clinical testing. Allele origin: unknown.
Comment: This CNV is a 964 kb deletion of 1p36.33 on chromosome 1, (seq[GRCh37]del(1)(p36.33); chr1:g.753462_1717335del), constituting a loss encompassing more than 50 protein coding genes, with proximal breakpoint within the GNB1 gene. The CNV was identified in a de novo state. This CNV overlaps the well-described 1p36 deletion syndrome, which has an estimated incidence of one in 5000 live births and is the most common terminal deletion syndrome (Heilstedt et al. 2003; Gajecka et al. 2007; Jordon et al. 2015). The 1p36 deletion syndrome follows an autosomal dominant inheritance pattern and may occur because of terminal deletions, interstitial deletions, derivative chromosomes, or complex rearrangements within the 30 Mb region (Gajecka et al. 2007). Common clinical features of this disorder include intellectual disability, developmental delay, seizures, vision and hearing problems, short stature, distinctive facial features, orofacial clefting, brain anomalies, renal anomalies, congenital heart defects, and cardiomyopathy. Additional features may include microcephaly, hypotonia, skeletal anomalies, obesity, and hypothyroidism. Significant phenotypic variability is reported and few, if any, features may be recognized in the neonatal period (D'Angelo et al. 2006; Rosenfeld et al. 2010; Stagi et al. 2014; Watanabe et al. 2016). CNVs similar in size and location have been reported in the literature. Kaminsky et al. (2011) also report as pathogenic three similar CNVs, ranging from 1.2 Mb to 1.3 Mb. Clinical details of these patients are not provided. Although not published in the literature, similar CNVs have also been described in DECIPHER (Firth et al. 2009), with phenotypic features including developmental delay, macrocephaly, dysmorphic facial features, growth delay, and/or renal concerns. Based on the collective evidence, this CNV is classified as pathogenic.

Literature cited by the submitters: PubMed 12687501; PubMed 16564757; PubMed 17918734; PubMed 20635359; PubMed 24479866; PubMed 25172301; PubMed 26345236; PubMed 28428889; PubMed 19344873.